The following is an entry in ClinVar:

ClinVar aggregate classification (germline): Benign/Likely benign. Review status: criteria provided, multiple submitters, no conflicts (2 of 4 stars). 3 submissions from 3 submitters: Benign (2); Likely benign (1). Last evaluated 2025-12-07.

Conditions:
Combined immunodeficiency due to DOCK8 deficiency (HIES2). Also called: HIES autosomal recessive; Hyper-IgE recurrent infection syndrome, autosomal recessive; HYPER-IgE RECURRENT INFECTION SYNDROME 2, AUTOSOMAL RECESSIVE; DOCK8 Deficiency; HYPER-IgE SYNDROME 2, AUTOSOMAL RECESSIVE, WITH RECURRENT INFECTIONS. Identifiers: Orphanet 217390, MedGen C4722305, MONDO:0009478, OMIM 243700.

Allele frequency attached by ClinVar (database versions not stated): gnomAD 0.00001 and 0.00009; TOPMed 0.00002; 1000 Genomes Project 30x 0.00031; 1000 Genomes Project 0.00040; ExAC 0.00040; gnomAD exomes 0.00041.
gnomAD v4.1: 247 of 1,614,098 alleles (0.015%); highest among the groups gnomAD compares: South Asian, 0.26%; 3 homozygotes.

Submissions (3):

Labcorp Genetics (formerly Invitae), Labcorp
Classification: Benign for Combined immunodeficiency due to DOCK8 deficiency. Last evaluated: 2025-12-07. Review status: criteria provided, single submitter. Criteria: Invitae Variant Classification Sherloc (09022015). Collection method: clinical testing. Allele origin: germline.

Women's Health and Genetics/Laboratory Corporation of America, LabCorp
Classification: Benign. Last evaluated: 2022-06-15. Review status: criteria provided, single submitter. Criteria: LabCorp Variant Classification Summary - May 2015. Collection method: clinical testing. Allele origin: germline.
Comment: Variant summary: DOCK8 c.3079G>A (p.Val1027Ile) results in a conservative amino acid change in the encoded protein sequence. Four of five in-silico tools predict a benign effect of the variant on protein function. The variant allele was found at a frequency of 0.00041 in 251394 control chromosomes (gnomAD), predominantly at a frequency of 0.0032 within the South Asian subpopulation in the gnomAD database, including 1 homozygote. The observed variant frequency within South Asian control individuals in the gnomAD database is approximately 9 fold of the estimated maximal expected allele frequency for a pathogenic variant in DOCK8 causing Severe Combined Immunodeficiency (0.00035), strongly suggesting that the variant is a benign polymorphism found primarily in populations of South Asian origin. c.3079G>A has been reported in the literature in one individual with Hyper IgE Syndrome (Omoyinmi_2017). This report does not provide unequivocal conclusions about association of the variant with Severe Combined Immunodeficiency. To our knowledge, no experimental evidence demonstrating an impact on protein function has been reported. Two ClinVar submitters have assessed the variant since 2014: one classified the variant as likely benign and the other as benign. Based on the evidence outlined above, the variant was classified as benign.

GeneDx
Classification: Likely benign. Last evaluated: 2020-12-07. Review status: criteria provided, single submitter. Criteria: GeneDx Variant Classification Process June 2021. Collection method: clinical testing. Allele origin: germline. Affected: yes.
Comment: In silico analysis supports that this missense variant does not alter protein structure/function; This variant is associated with the following publications: (PMID: 28750028)

Literature cited by the submitters: PubMed 28750028 (cited by Women's Health and Genetics/Laboratory Corporation of America, LabCorp).

NM_203447.4(DOCK8):c.3079G>A (p.Val1027Ile)

Gene: DOCK8 (dedicator of cytokinesis 8; plus strand). Cytogenetic location: 9p24.3.
Variant type: single nucleotide variant.
Coding change: c.3079G>A on transcript NM_203447.4 (MANE Select); coding-DNA position 3079, G replaced by A.
Protein change: p.Val1027Ile; replaces valine 1027 with isoleucine.
Molecular consequence: missense variant.
Genome position (GRCh38, 1-based): chr9:396,893, G>A. VCF-style: chr9-396893-G-A. GRCh37 (hg19) VCF-style: chr9-396893-G-A.
Other names: c.2779G>A, p.Val927Ile (NM_001190458.2); c.2875G>A, p.Val959Ile (NM_001193536.2); short protein forms V1027I, V927I, V959I.
Identifiers: ClinVar variation 1170716 (VCV001170716.11), dbSNP rs199782622, ClinGen allele CA4958488.